The following is an entry in ClinVar:

NM_001040108.2(MLH3):c.3997C>T (p.Arg1333Ter)

Gene: MLH3 (mutL homolog 3; minus strand). Cytogenetic location: 14q24.3.
Variant type: single nucleotide variant.
Coding change: c.3997C>T on transcript NM_001040108.2 (MANE Select); coding-DNA position 3997, C replaced by T.
Protein change: p.Arg1333Ter; replaces arginine 1333 with a stop codon.
Molecular consequence: nonsense.
Genome position (GRCh38, 1-based): chr14:75,023,009, G>A on the plus strand (C>T on the coding strand, the complement: MLH3 is on the minus strand). VCF-style: chr14-75023009-G-A. GRCh37 (hg19) VCF-style: chr14-75489712-G-A.
Other names: c.3925C>T, p.Arg1309Ter (NM_014381.3); c.3997C>T (NM_001040108.1); short protein forms R1309*, R1333*.
Identifiers: ClinVar variation 1059156 (VCV001059156.13), dbSNP rs1255282773, ClinGen allele CA390421768.

ClinVar aggregate classification (germline): Conflicting classifications of pathogenicity. Review status: criteria provided, conflicting classifications (1 of 4 stars). 4 submissions from 4 submitters: Pathogenic (2); Likely pathogenic (1); Uncertain significance (1). Last evaluated 2026-06-03.

Conditions:
MLH3-related disorder. Also called: MLH3-related condition.
Colorectal cancer, hereditary nonpolyposis, type 7. Identifiers: Orphanet 144, MedGen C1858380, MONDO:0013725, OMIM 614385.

Allele frequency attached by ClinVar (database versions not stated): TOPMed 0.00001; gnomAD exomes below 0.00001; gnomAD 0.00001.
gnomAD v4.1: 7 of 1,614,052 alleles (0.00043%); highest among the groups gnomAD compares: East Asian, 0.0022%; no homozygotes.

Submissions (4):

Ambry Genetics
Classification: Pathogenic. Last evaluated: 2026-06-03. Review status: criteria provided, single submitter. Criteria: Ambry Variant Classification Scheme 2023. Collection method: clinical testing. Allele origin: germline.
Comment: The p.R1333* pathogenic mutation (also known as c.3997C>T), located in coding exon 9 of the MLH3 gene, results from a C to T substitution at nucleotide position 3997. This changes the amino acid from an arginine to a stop codon within coding exon 9. This variant has been identified in the homozygous state and/or in conjunction with other MLH3 variant(s) in individual(s) with features consistent with MLH3-related polyposis (Yang M et al. NPJ Precis Oncol, 2025 Mar;9:75). This variant is considered to be rare based on population cohorts in the Genome Aggregation Database (gnomAD). This alteration is expected to result in loss of function by premature protein truncation or nonsense-mediated mRNA decay. As such, this alteration is interpreted as a disease-causing mutation.

Myriad Genetics, Inc.
Classification: Pathogenic for Colorectal cancer, hereditary nonpolyposis, type 7. Last evaluated: 2026-03-24. Review status: criteria provided, single submitter. Criteria: Myriad Autosomal Dominant, Autosomal Recessive and X-Linked Classification Criteria (2023). Collection method: clinical testing. Allele origin: unknown.
Comment: This variant is considered pathogenic. This variant creates a termination codon and is predicted to result in premature protein truncation.

Fujian Provincial Key Laboratory of Transplant Biology, Fuzong Clinical Medical College of Fujian Medical University
Classification: Likely pathogenic for MLH3-related disorder. Last evaluated: 2025-05-21. Review status: criteria provided, single submitter. Criteria: ACMG Guidelines, 2015. Collection method: research. Allele origin: unknown. Affected: yes. Observed: 1 homozygote.
Comment: The NM_001040108.2: c.3997C>T (p. R1333X) variation is located in exon 10 of the MLH3. Variant of MLH3 has been reported as likely pathogenic factors for male infertility (PMID: 33517345). This variant is at extremely low frequency in databases [e.g., Genome Aggregation Database (gnomAD), Exome Aggregation Consortium (ExAC), and 1000 Genomes (1000G)] (PM2) and was predicted to be disease-causing by MutationTaster. In summary, according to the American College of Medical Genetics and Genomics Standards and Guidelines for genetic variations, this variant was classified as likely pathogenic (PVS1+PM2).

Labcorp Genetics (formerly Invitae), Labcorp
Classification: Uncertain significance for Colorectal cancer, hereditary nonpolyposis, type 7. Last evaluated: 2021-12-29. Review status: criteria provided, single submitter. Criteria: Invitae Variant Classification Sherloc (09022015). Collection method: clinical testing. Allele origin: germline.
Comment: This sequence change creates a premature translational stop signal (p.Arg1333*) in the MLH3 gene. It is expected to result in an absent or disrupted protein product. However, the current clinical and genetic evidence is not sufficient to establish whether loss-of-function variants in MLH3 cause disease. This variant is present in population databases (no rsID available, gnomAD 0.002%). This variant has not been reported in the literature in individuals affected with MLH3-related conditions. ClinVar contains an entry for this variant (Variation ID: 1059156). In summary, the available evidence is currently insufficient to determine the role of this variant in disease. Therefore, it has been classified as a Variant of Uncertain Significance.

Literature cited by the submitters: PubMed 40089605 (cited by Ambry Genetics); PubMed 33517345 (cited by Fujian Provincial Key Laboratory of Transplant Biology, Fuzong Clinical Medical College of Fujian Medical University).